The following is an entry in ClinVar:

NM_017617.5(NOTCH1):c.1379C>T (p.Pro460Leu)

Gene: NOTCH1 (notch receptor 1; minus strand). Cytogenetic location: 9q34.3.
Variant type: single nucleotide variant.
Coding change: c.1379C>T on transcript NM_017617.5 (MANE Select); coding-DNA position 1379, C replaced by T.
Protein change: p.Pro460Leu; replaces proline 460 with leucine.
Molecular consequence: missense variant.
Genome position (GRCh38, 1-based): chr9:136,517,814, G>A on the plus strand (C>T on the coding strand, the complement: NOTCH1 is on the minus strand). VCF-style: chr9-136517814-G-A. GRCh37 (hg19) VCF-style: chr9-139412266-G-A.
Other names: short protein forms P460L.
Identifiers: ClinVar variation 1771234 (VCV001771234.6), dbSNP rs776258761, ClinGen allele CA5341822.
Genomic context (GRCh38, chr9:136,517,814, plus strand): 5'-GGCATGCAGATGCACTGGAACTCCCCAATCTGGTCCAGGCAGGTGGCGTCGTTCTGGCAC[G>A]GGTTCGAGACGCACTCGTTGACGTCGATCTCGCATCGGGGGCCCGTGTAGCCCTGCAGAC-3'
Protein context (NP_060087.3, residues 450-470): EIDVNECVSN[Pro460Leu]CQNDATCLDQ

ClinVar aggregate classification (germline): Uncertain significance. Review status: criteria provided, multiple submitters, no conflicts (2 of 4 stars). 3 submissions from 3 submitters: Uncertain significance (3). Last evaluated 2025-06-17.

Conditions:
Adams-Oliver syndrome 5 (AOS5). Identifiers: Orphanet 974, MedGen C4014970, MONDO:0014459, OMIM 616028.
Familial thoracic aortic aneurysm and aortic dissection (TAAD). Also called: Thoracic aortic aneurysms and dissections. Identifiers: Orphanet 91387, MedGen C4707243, MONDO:0019625.

Allele frequency attached by ClinVar (database versions not stated): gnomAD exomes below 0.00001; TOPMed below 0.00001; ExAC 0.00001.
gnomAD v4.1: 6 of 1,612,738 alleles (0.00037%); highest among the groups gnomAD compares: Non-Finnish European, 0.00051%; no homozygotes.

Submissions (3):

GeneDx
Classification: Uncertain significance. Last evaluated: 2025-06-17. Review status: criteria provided, single submitter. Criteria: GeneDx Variant Classification Process June 2021. Collection method: clinical testing. Allele origin: germline. Affected: yes.
Comment: Not observed at significant frequency in large population cohorts (gnomAD); In silico analysis supports that this missense variant has a deleterious effect on protein structure/function; Has not been previously reported as a pathogenic or benign germline variant to our knowledge; This variant is associated with the following publications: (PMID: 37468606, 33523857, 27228302)

Labcorp Genetics (formerly Invitae), Labcorp
Classification: Uncertain significance for Adams-Oliver syndrome 5. Last evaluated: 2024-08-11. Review status: criteria provided, single submitter. Criteria: Invitae Variant Classification Sherloc (09022015). Collection method: clinical testing. Allele origin: germline.
Comment: This sequence change replaces proline, which is neutral and non-polar, with leucine, which is neutral and non-polar, at codon 460 of the NOTCH1 protein (p.Pro460Leu). This variant is present in population databases (rs776258761, gnomAD 0.002%). This variant has not been reported in the literature in individuals affected with NOTCH1-related conditions. ClinVar contains an entry for this variant (Variation ID: 1771234). An algorithm developed to predict the effect of missense changes on protein structure and function (PolyPhen-2) suggests that this variant is likely to be disruptive. In summary, the available evidence is currently insufficient to determine the role of this variant in disease. Therefore, it has been classified as a Variant of Uncertain Significance.

Ambry Genetics
Classification: Uncertain significance for Familial thoracic aortic aneurysm and aortic dissection. Last evaluated: 2019-01-15. Review status: criteria provided, single submitter. Criteria: Ambry Variant Classification Scheme 2023. Collection method: clinical testing. Allele origin: germline.
Comment: The p.P460L variant (also known as c.1379C>T), located in coding exon 8 of the NOTCH1 gene, results from a C to T substitution at nucleotide position 1379. The proline at codon 460 is replaced by leucine, an amino acid with similar properties. This amino acid position is highly conserved in available vertebrate species. In addition, this alteration is predicted to be deleterious by in silico analysis. Since supporting evidence is limited at this time, the clinical significance of this alteration remains unclear.